The following is an entry in ClinVar:

NM_005233.6(EPHA3):c.2138A>C (p.Lys713Thr)

Gene: EPHA3 (EPH receptor A3; plus strand). Cytogenetic location: 3p11.1.
Variant type: single nucleotide variant.
Coding change: c.2138A>C on transcript NM_005233.6 (MANE Select); coding-DNA position 2138, A replaced by C.
Protein change: p.Lys713Thr; replaces lysine 713 with threonine.
Molecular consequence: missense variant.
Genome position (GRCh38, 1-based): chr3:89,431,151, A>C. VCF-style: chr3-89431151-A-C. GRCh37 (hg19) VCF-style: chr3-89480301-A-C.
Other names: c.2138A>C, p.Lys713Thr (NM_001410778.1); short protein forms K713T.
Identifiers: ClinVar variation 3049991 (VCV003049991.2), dbSNP rs199630398, ClinGen allele CA2502787.
Genomic context (GRCh38, chr3:89,431,151, plus strand): 5'-AAGATATATCTTTAAGAAATAGGAACGTATCTTAATTGTACATTTGAAATGCTTCCCAGA[A>C]ACACGATGCCCAGTTTACTGTCATTCAGCTAGTGGGGATGCTTCGAGGGATAGCATCTGG-3'
Protein context (NP_005224.2, residues 703-723): ENGSLDSFLR[Lys713Thr]HDAQFTVIQL

ClinVar aggregate classification (germline): Likely benign (0 of 4 stars; one submission).

Conditions:
EPHA3-related disorder. Also called: EPHA3-related condition.

Allele frequency attached by ClinVar (database versions not stated): gnomAD 0.00013; TOPMed 0.00014; ESP Exome Variant Server 0.00015; gnomAD exomes 0.00020; ExAC 0.00030; 1000 Genomes Project 30x 0.00031; 1000 Genomes Project 0.00040.
gnomAD v4.1: 305 of 1,613,026 alleles (0.019%); highest among the groups gnomAD compares: South Asian, 0.12%; 1 homozygote.

Submission:

PreventionGenetics, part of Exact Sciences
Classification: Likely benign for EPHA3-related condition. Last evaluated: 2022-02-01. Review status: no assertion criteria provided. Collection method: clinical testing. Allele origin: germline.
Comment: This variant is classified as likely benign based on ACMG/AMP sequence variant interpretation guidelines (Richards et al. 2015 PMID: 25741868, with internal and published modifications).